The following is an entry in ClinVar:

ClinVar aggregate classification (germline): Uncertain significance (1 of 4 stars; one submission).

Allele frequency attached by ClinVar (database versions not stated): gnomAD 0.00008; TOPMed 0.00008.
gnomAD v4.1: 89 of 1,614,038 alleles (0.0055%); highest among the groups gnomAD compares: Admixed American, 0.015%; no homozygotes.

Submission:

Labcorp Genetics (formerly Invitae), Labcorp
Classification: Uncertain significance. Last evaluated: 2022-05-09. Review status: criteria provided, single submitter. Criteria: Invitae Variant Classification Sherloc (09022015). Collection method: clinical testing. Allele origin: germline.
Comment: In summary, the available evidence is currently insufficient to determine the role of this variant in disease. Therefore, it has been classified as a Variant of Uncertain Significance. Algorithms developed to predict the effect of missense changes on protein structure and function are either unavailable or do not agree on the potential impact of this missense change (SIFT: "Deleterious"; PolyPhen-2: "Probably Damaging"; Align-GVGD: "Class C0"). This variant has not been reported in the literature in individuals affected with PRMT7-related conditions. This variant is present in population databases (rs199750494, gnomAD 0.01%). This sequence change replaces alanine, which is neutral and non-polar, with threonine, which is neutral and polar, at codon 87 of the PRMT7 protein (p.Ala87Thr).

NM_019023.5(PRMT7):c.259G>A (p.Ala87Thr)

Gene: PRMT7 (protein arginine methyltransferase 7; plus strand). Cytogenetic location: 16q22.1.
Variant type: single nucleotide variant.
Coding change: c.259G>A on transcript NM_019023.5 (MANE Select); coding-DNA position 259, G replaced by A.
Protein change: p.Ala87Thr; replaces alanine 87 with threonine.
Molecular consequence: missense variant. On other transcripts: non-coding transcript variant (12), intron variant (1).
Genome position (GRCh38, 1-based): chr16:68,324,809, G>A. VCF-style: chr16-68324809-G-A. GRCh37 (hg19) VCF-style: chr16-68358712-G-A.
Other names: c.259G>A, p.Ala87Thr (NM_001290018.2, NM_001351143.3, NM_001351144.3 and 1 more transcripts); c.161G>A, p.Cys54Tyr (NM_001378020.1); c.22G>A, p.Ala8Thr (NM_001378021.1, NM_001378022.1, NM_001378023.1); c.132+3347G>A (NM_001184824.4); short protein forms A87T, A8T, C54Y.
Identifiers: ClinVar variation 2152622 (VCV002152622.4), dbSNP rs199750494, ClinGen allele CA8127031.